The following is an entry in ClinVar:

ClinVar aggregate classification (germline): Conflicting classifications of pathogenicity. Review status: criteria provided, conflicting classifications (1 of 4 stars). 2 submissions from 2 submitters: Uncertain significance (1); Likely benign (1). Last evaluated 2026-04-16.

Conditions:
Neurofibromatosis, type 1 (NF1). Also called: VON RECKLINGHAUSEN DISEASE; Neurofibromatosis, type I; NEUROFIBROMATOSIS, TYPE I, SOMATIC; Peripheral type neurofibromatosis. Identifiers: Orphanet 636, MedGen C0027831, MONDO:0018975, OMIM 162200. Disease mechanism: loss of function.
Cardiovascular phenotype. Identifiers: MedGen CN230736.
Hereditary cancer-predisposing syndrome. Also called: Tumor predisposition; Hereditary Cancer Syndrome; Neoplastic Syndromes, Hereditary; Hereditary neoplastic syndrome. Identifiers: Orphanet 140162, MedGen C0027672, MeSH D009386, MONDO:0015356.

Allele frequency attached by ClinVar (database versions not stated): gnomAD 0.00001.
gnomAD v4.1: 1 of 1,613,972 alleles (0.000062%); highest among the groups gnomAD compares: African/African-American, 0.0013%; no homozygotes.

Submissions (2):

Ambry Genetics
Classification: Likely benign for Cardiovascular phenotype; Hereditary cancer-predisposing syndrome. Last evaluated: 2026-04-16. Review status: criteria provided, single submitter. Criteria: Ambry Variant Classification Scheme 2023. Collection method: clinical testing. Allele origin: germline.

Labcorp Genetics (formerly Invitae), Labcorp
Classification: Uncertain significance for Neurofibromatosis, type 1. Last evaluated: 2018-11-28. Review status: criteria provided, single submitter. Criteria: Invitae Variant Classification Sherloc (09022015). Collection method: clinical testing. Allele origin: germline.
Comment: This variant is not present in population databases (ExAC no frequency). In summary, the available evidence is currently insufficient to determine the role of this variant in disease. Therefore, it has been classified as a Variant of Uncertain Significance. Algorithms developed to predict the effect of missense changes on protein structure and function (SIFT, PolyPhen-2, Align-GVGD) all suggest that this variant is likely to be tolerated, but these predictions have not been confirmed by published functional studies and their clinical significance is uncertain. This variant has not been reported in the literature in individuals with NF1-related conditions. This sequence change replaces asparagine with aspartic acid at codon 2812 of the NF1 protein (p.Asn2812Asp). The asparagine residue is weakly conserved and there is a small physicochemical difference between asparagine and aspartic acid.

NM_001042492.3(NF1):c.8497A>G (p.Asn2833Asp)

Gene: NF1 (neurofibromin 1; plus strand). Cytogenetic location: 17q11.2.
Variant type: single nucleotide variant.
Coding change: c.8497A>G on transcript NM_001042492.3 (MANE Select); coding-DNA position 8497, A replaced by G.
Protein change: p.Asn2833Asp; replaces asparagine 2833 with aspartic acid.
Molecular consequence: missense variant.
Genome position (GRCh38, 1-based): chr17:31,374,132, A>G. VCF-style: chr17-31374132-A-G. GRCh37 (hg19) VCF-style: chr17-29701150-A-G.
Other names: c.8434A>G, p.Asn2812Asp (NM_000267.4); short protein forms N2833D, N2812D.
Identifiers: ClinVar variation 656487 (VCV000656487.7), dbSNP rs786202863, ClinGen allele CA399206103.